The following is an entry in ClinVar:

ClinVar aggregate classification (germline): Uncertain significance (1 of 4 stars; one submission).

Conditions:
Cardiovascular phenotype. Identifiers: MedGen CN230736.

gnomAD v4.1: 3 of 1,411,786 alleles (0.00021%); highest among the groups gnomAD compares: South Asian, 0.0015%; no homozygotes.

Submission:

Ambry Genetics
Classification: Uncertain significance for Cardiovascular phenotype. Last evaluated: 2024-01-22. Review status: criteria provided, single submitter. Criteria: Ambry Variant Classification Scheme 2023. Collection method: clinical testing. Allele origin: germline.
Comment: The p.A10E variant (also known as c.29C>A), located in coding exon 1 of the APOB gene, results from a C to A substitution at nucleotide position 29. The alanine at codon 10 is replaced by glutamic acid, an amino acid with dissimilar properties. This amino acid position is conserved. In addition, this alteration is predicted to be tolerated by in silico analysis. Based on the available evidence, the clinical significance of this alteration remains unclear.

NM_000384.3(APOB):c.29C>A (p.Ala10Glu)

Genes: APOB (apolipoprotein B; minus strand), LOC106560211 (APOB 5' regulatory region; plus strand). Cytogenetic location: 2p24.1.
Variant type: single nucleotide variant.
Coding change: c.29C>A on transcript NM_000384.3 (MANE Select); coding-DNA position 29, C replaced by A.
Protein change: p.Ala10Glu; replaces alanine 10 with glutamic acid.
Molecular consequence: missense variant.
Genome position (GRCh38, 1-based): chr2:21,043,917, G>T on the plus strand (C>A on the coding strand, the complement: APOB is on the minus strand). VCF-style: chr2-21043917-G-T. GRCh37 (hg19) VCF-style: chr2-21266789-G-T.
Other names: short protein forms A10E.
Identifiers: ClinVar variation 3231393 (VCV003231393.1), dbSNP rs910952630, ClinGen allele CA43470296.